The following is an entry in ClinVar:

NM_003403.5(YY1):c.288_299del (p.Gln96_His99del)

Gene: YY1 (YY1 transcription factor; plus strand). Cytogenetic location: 14q32.2.
Variant type: Deletion.
Coding change: c.288_299del on transcript NM_003403.5 (MANE Select); coding-DNA positions 288 to 299, 12 bases deleted (GGTGCACCACCA).
Protein change: p.Gln96_His99del.
Molecular consequence: inframe indel (on NM_003403.4).
Genome position (GRCh38, 1-based): chr14:100,239,532-100,239,543, GGTGCACCACCA deleted; deleting any 12 consecutive bases within chr14:100,239,529-100,239,543 gives the same sequence; the c. name uses the placement nearest the transcript's 3' end. VCF-style (leftmost placement, unchanged base first): chr14-100239528-CCCAGGTGCACCA-C. GRCh37 (hg19) VCF-style: chr14-100705865-CCCAGGTGCACCA-C.
Other names: c.288_299delGGTGCACCACCA, p.Gln96_His99del (NM_003403.4).
Identifiers: ClinVar variation 3359836 (VCV003359836.1).

ClinVar aggregate classification (germline): Uncertain significance (1 of 4 stars; one submission).

Submission:

GeneDx
Classification: Uncertain significance. Last evaluated: 2023-06-16. Review status: criteria provided, single submitter. Criteria: GeneDx Variant Classification Process June 2021. Collection method: clinical testing. Allele origin: germline. Affected: yes.
Comment: Not observed at significant frequency in large population cohorts (gnomAD); In-frame deletion of 4 amino acids in a non-repeat region; In silico analysis supports that this variant does not alter protein structure/function; Has not been previously published as pathogenic or benign to our knowledge